The following is an entry in ClinVar:

ClinVar aggregate classification (germline): Likely benign (1 of 4 stars; one submission).

Allele frequency attached by ClinVar (database versions not stated): gnomAD exomes below 0.00001; ExAC 0.00001; gnomAD 0.00001.
gnomAD v4.1: 4 of 1,611,294 alleles (0.00025%); highest among the groups gnomAD compares: Non-Finnish European, 0.00034%; no homozygotes.

Submission:

GeneDx
Classification: Likely benign. Last evaluated: 2017-11-17. Review status: criteria provided, single submitter. Criteria: GeneDx Variant Classification (06012015). Collection method: clinical testing. Allele origin: germline. Affected: yes.
Comment: This variant is considered likely benign or benign based on one or more of the following criteria: it is a conservative change, it occurs at a poorly conserved position in the protein, it is predicted to be benign by multiple in silico algorithms, and/or has population frequency not consistent with disease.

NM_017617.5(NOTCH1):c.1903+17G>T

Gene: NOTCH1 (notch receptor 1; minus strand). Cytogenetic location: 9q34.3.
Variant type: single nucleotide variant.
Coding change: c.1903+17G>T on transcript NM_017617.5 (MANE Select); 17 bases into the intron after coding-DNA position 1903, G replaced by T.
Molecular consequence: intron variant.
Genome position (GRCh38, 1-based): chr9:136,515,466, C>A on the plus strand (G>T on the coding strand, the complement: NOTCH1 is on the minus strand). VCF-style: chr9-136515466-C-A. GRCh37 (hg19) VCF-style: chr9-139409918-C-A.
Other names: c.1903+17G>T (LRG_1122t1).
Identifiers: ClinVar variation 513420 (VCV000513420.1), dbSNP rs762205505, ClinGen allele CA5341595.